The following is an entry in ClinVar:

ClinVar aggregate classification (germline): Conflicting classifications of pathogenicity. Review status: criteria provided, conflicting classifications (1 of 4 stars). 5 submissions from 5 submitters: Uncertain significance (4); Likely benign (1). Last evaluated 2025-06-18.

Conditions:
Rubinstein-Taybi syndrome (RSTS). Identifiers: Orphanet 783, MedGen C0035934, MONDO:0019188.
CREBBP-related disorder. Also called: CREBBP-related condition; CREBBP-related disorders.
Inborn genetic diseases. Identifiers: MedGen C0950123, MeSH D030342.

Allele frequency attached by ClinVar (database versions not stated): gnomAD exomes 0.00001; TOPMed 0.00002; gnomAD 0.00003.
gnomAD v4.1: 12 of 1,614,074 alleles (0.00074%); highest among the groups gnomAD compares: African/African-American, 0.0013%; no homozygotes.

Submissions (5):

Revvity Omics, Revvity
Classification: Uncertain significance. Last evaluated: 2025-06-18. Review status: criteria provided, single submitter. Criteria: ACMG Guidelines, 2015. Collection method: clinical testing. Allele origin: germline.

PreventionGenetics, part of Exact Sciences
Classification: Uncertain significance for CREBBP-related condition. Last evaluated: 2025-04-10. Review status: criteria provided, single submitter. Criteria: ACMG Guidelines, 2015. Collection method: clinical testing. Allele origin: germline.
Comment: The CREBBP c.1504C>T variant is predicted to result in the amino acid substitution p.Pro502Ser. To our knowledge, this variant has not been reported in the literature or in a large population database, indicating this variant is rare. At this time, the clinical significance of this variant is uncertain due to the absence of conclusive functional and genetic evidence.

GeneDx
Classification: Likely benign. Last evaluated: 2025-01-10. Review status: criteria provided, single submitter. Criteria: GeneDx Variant Classification Process June 2021. Collection method: clinical testing. Allele origin: germline. Affected: yes.
Comment: See Variant Classification Assertion Criteria.

Labcorp Genetics (formerly Invitae), Labcorp
Classification: Uncertain significance for Rubinstein-Taybi syndrome. Last evaluated: 2023-08-17. Review status: criteria provided, single submitter. Criteria: Invitae Variant Classification Sherloc (09022015). Collection method: clinical testing. Allele origin: germline.
Comment: In summary, the available evidence is currently insufficient to determine the role of this variant in disease. Therefore, it has been classified as a Variant of Uncertain Significance. Advanced modeling of protein sequence and biophysical properties (such as structural, functional, and spatial information, amino acid conservation, physicochemical variation, residue mobility, and thermodynamic stability) performed at Invitae indicates that this missense variant is not expected to disrupt CREBBP protein function. ClinVar contains an entry for this variant (Variation ID: 1774061). This variant has not been reported in the literature in individuals affected with CREBBP-related conditions. This variant is not present in population databases (gnomAD no frequency). This sequence change replaces proline, which is neutral and non-polar, with serine, which is neutral and polar, at codon 502 of the CREBBP protein (p.Pro502Ser).

Ambry Genetics
Classification: Uncertain significance for Inborn genetic diseases. Last evaluated: 2019-09-04. Review status: criteria provided, single submitter. Criteria: Ambry Variant Classification Scheme 2023. Collection method: clinical testing. Allele origin: germline.
Comment: The p.P502S variant (also known as c.1504C>T), located in coding exon 6 of the CREBBP gene, results from a C to T substitution at nucleotide position 1504. The proline at codon 502 is replaced by serine, an amino acid with similar properties. This amino acid position is well conserved in available vertebrate species. In addition, this alteration is predicted to be tolerated by in silico analysis. Since supporting evidence is limited at this time, the clinical significance of this alteration remains unclear.

NM_004380.3(CREBBP):c.1504C>T (p.Pro502Ser)

Gene: CREBBP (CREB binding lysine acetyltransferase; minus strand). Cytogenetic location: 16p13.3.
Variant type: single nucleotide variant.
Coding change: c.1504C>T on transcript NM_004380.3 (MANE Select); coding-DNA position 1504, C replaced by T.
Protein change: p.Pro502Ser; replaces proline 502 with serine.
Molecular consequence: missense variant.
Genome position (GRCh38, 1-based): chr16:3,782,753, G>A on the plus strand (C>T on the coding strand, the complement: CREBBP is on the minus strand). VCF-style: chr16-3782753-G-A. GRCh37 (hg19) VCF-style: chr16-3832754-G-A.
Other names: c.1390C>T, p.Pro464Ser (NM_001079846.1); short protein forms P464S, P502S.
Identifiers: ClinVar variation 1774061 (VCV001774061.15), dbSNP rs973479623, ClinGen allele CA276977018.